The following is an entry in ClinVar:

NM_019108.4(SMG9):c.662T>C (p.Met221Thr)

Gene: SMG9 (SMG9 nonsense mediated mRNA decay factor; minus strand). Cytogenetic location: 19q13.31.
Variant type: single nucleotide variant.
Coding change: c.662T>C on transcript NM_019108.4 (MANE Select); coding-DNA position 662, T replaced by C.
Protein change: p.Met221Thr; replaces methionine 221 with threonine.
Molecular consequence: missense variant.
Genome position (GRCh38, 1-based): chr19:43,744,811, A>G on the plus strand (T>C on the coding strand, the complement: SMG9 is on the minus strand). VCF-style: chr19-43744811-A-G. GRCh37 (hg19) VCF-style: chr19-44248963-A-G.
Other names: short protein forms M221T.
Identifiers: ClinVar variation 1028630 (VCV001028630.1), dbSNP rs550974987, ClinGen allele CA308815953.

ClinVar aggregate classification (germline): Uncertain significance (1 of 4 stars; one submission).

Conditions:
Heart and brain malformation syndrome (HBMS). Identifiers: MedGen C4310793, MONDO:0014833, OMIM 616920.

Allele frequency attached by ClinVar (database versions not stated): gnomAD 0.00001; gnomAD exomes 0.00001; 1000 Genomes Project 30x 0.00031; 1000 Genomes Project 0.00040.

Submission:

Baylor Genetics
Classification: Uncertain significance for Heart and brain malformation syndrome. Last evaluated: 2020-04-08. Review status: criteria provided, single submitter. Criteria: ACMG Guidelines, 2015. Collection method: clinical testing. Allele origin: maternal. Affected: yes.
Comment: This variant was determined to be of uncertain significance according to ACMG Guidelines, 2015 [PMID:25741868].